The following is an entry in ClinVar:

NM_152564.5(VPS13B):c.4290A>T (p.Lys1430Asn)

Gene: VPS13B (vacuolar protein sorting 13 homolog B; plus strand). Cytogenetic location: 8q22.2.
Variant type: single nucleotide variant.
Coding change: c.4290A>T on transcript NM_152564.5 (MANE Select); coding-DNA position 4290, A replaced by T.
Protein change: p.Lys1430Asn; replaces lysine 1430 with asparagine.
Molecular consequence: missense variant.
Genome position (GRCh38, 1-based): chr8:99,511,169, A>T. VCF-style: chr8-99511169-A-T. GRCh37 (hg19) VCF-style: chr8-100523397-A-T.
Other names: c.4365A>T, p.Lys1455Asn (NM_017890.5); short protein forms K1430N, K1455N.
Identifiers: ClinVar variation 1314489 (VCV001314489.2), dbSNP rs2133637258, ClinGen allele CA371871306.

ClinVar aggregate classification (germline): Uncertain significance (1 of 4 stars; one submission).

Submission:

GeneDx
Classification: Uncertain significance. Last evaluated: 2021-04-12. Review status: criteria provided, single submitter. Criteria: GeneDx Variant Classification Process June 2021. Collection method: clinical testing. Allele origin: germline. Affected: yes.
Comment: Has not been previously published as pathogenic or benign to our knowledge; Not observed in large population cohorts (Lek et al., 2016); In silico analysis supports that this missense variant does not alter protein structure/function